The following is an entry in ClinVar:

ClinVar aggregate classification (germline): Uncertain significance (1 of 4 stars; one submission).

Submission:

Dasa
Classification: Uncertain significance. Last evaluated: 2025-12-01. Review status: criteria provided, single submitter. Criteria: DASA Assertion Criteria. Collection method: clinical testing. Allele origin: germline.
Comment: NM_004977.3(KCNC3):c.2195C>G (p.Pro732Arg) is a missense variant that results in the substitution of proline with arginine. This variant is rare in population databases. The currently available literature and clinical evidence are not sufficient to establish a definitive association between this variant and the reported condition. Therefore, this variant is classified as a variant of uncertain significance.

NM_004977.3(KCNC3):c.2195C>G (p.Pro732Arg)

Gene: KCNC3 (potassium voltage-gated channel subfamily C member 3; minus strand). Cytogenetic location: 19q13.33.
Variant type: single nucleotide variant.
Coding change: c.2195C>G on transcript NM_004977.3 (MANE Select); coding-DNA position 2195, C replaced by G.
Protein change: p.Pro732Arg; replaces proline 732 with arginine.
Molecular consequence: missense variant.
Genome position (GRCh38, 1-based): chr19:50,320,325, G>C on the plus strand (C>G on the coding strand, the complement: KCNC3 is on the minus strand). VCF-style: chr19-50320325-G-C. GRCh37 (hg19) VCF-style: chr19-50823582-G-C.
Other names: c.1967C>G, p.Pro656Arg (NM_001372305.1); short protein forms P656R, P732R.
Identifiers: ClinVar variation 4883626 (VCV004883626.2).
Genomic context (GRCh38, chr19:50,320,325, plus strand): 5'-GCGGCGTTGGCGTTGAGGTCGGGCAAGAAGCTTGGGGGGCCTGGCTTACGCCAGTCTTGG[G>C]GGGGCAGTGGGGGAGCACCAGTGGCTGGGGGTGGGGGAAGAGGCCAGAGAGTTGGGGGGA-3'
Protein context (NP_004968.2, residues 722-742): RKATGAPPLP[Pro732Arg]QDWRKPGPPS